The following is an entry in ClinVar:

ClinVar aggregate classification (germline): Uncertain significance (1 of 4 stars; one submission).

Submission:

Dasa
Classification: Uncertain significance. Last evaluated: 2025-04-09. Review status: criteria provided, single submitter. Criteria: DASA Assertion Criteria. Collection method: clinical testing. Allele origin: germline.
Comment: NM_144997.7(FLCN):c.308C>G (p.Ser103Cys) is a missense variant that results in the substitution of serine with cysteine. This variant is absent from population databases. Computational prediction algorithms are consistent with a benign effect. The currently available literature and clinical evidence are not sufficient to establish a definitive association between this variant and the reported condition. Therefore, this variant is classified as a variant of uncertain significance.

NM_144997.7(FLCN):c.308C>G (p.Ser103Cys)

Gene: FLCN (folliculin; minus strand). Cytogenetic location: 17p11.2.
Variant type: single nucleotide variant.
Coding change: c.308C>G on transcript NM_144997.7 (MANE Select); coding-DNA position 308, C replaced by G.
Protein change: p.Ser103Cys; replaces serine 103 with cysteine.
Molecular consequence: missense variant.
Genome position (GRCh38, 1-based): chr17:17,226,264, G>C on the plus strand (C>G on the coding strand, the complement: FLCN is on the minus strand). VCF-style: chr17-17226264-G-C. GRCh37 (hg19) VCF-style: chr17-17129578-G-C.
Other names: c.308C>G, p.Ser103Cys (NM_001353229.2, NM_001353230.2, NM_001353231.2 and 1 more transcripts); short protein forms S103C.
Identifiers: ClinVar variation 4885990 (VCV004885990.2).
Genomic context (GRCh38, chr17:17,226,264, plus strand): 5'-TGGCGGACAATGCTGAAGAGCTGGGGGTGGCTGGGGTGCTGGTGGCTGACGTATTTAATG[G>C]AGGTCTCTTTATCATGGCTGATATATCCCGGGTGCCCTGCAGCAAGTGACCGGCAGCCCT-3'
Protein context (NP_659434.2, residues 93-113): PGYISHDKET[Ser103Cys]IKYVSHQHPS